The following is an entry in ClinVar:

ClinVar aggregate classification (germline): Uncertain significance (1 of 4 stars; one submission).

gnomAD v4.1: 5 of 1,537,002 alleles (0.00033%); highest among the groups gnomAD compares: African/African-American, 0.0042%; no homozygotes.

Submission:

Labcorp Genetics (formerly Invitae), Labcorp
Classification: Uncertain significance. Last evaluated: 2025-07-29. Review status: criteria provided, single submitter. Criteria: Invitae Variant Classification Sherloc (09022015). Collection method: clinical testing. Allele origin: germline.
Comment: This sequence change replaces arginine, which is basic and polar, with tryptophan, which is neutral and slightly polar, at codon 301 of the CDK13 protein (p.Arg301Trp). The frequency data for this variant in the population databases is considered unreliable, as metrics indicate poor data quality at this position in the gnomAD database. This variant has not been reported in the literature in individuals affected with CDK13-related conditions. Invitae Evidence Modeling of protein sequence and biophysical properties (such as structural, functional, and spatial information, amino acid conservation, physicochemical variation, residue mobility, and thermodynamic stability) has been performed for this missense variant. However, the output from this modeling did not meet the statistical confidence thresholds required to predict the impact of this variant on CDK13 protein function. In summary, the available evidence is currently insufficient to determine the role of this variant in disease. Therefore, it has been classified as a Variant of Uncertain Significance.

NM_003718.5(CDK13):c.901C>T (p.Arg301Trp)

Gene: CDK13 (cyclin dependent kinase 13; plus strand). Cytogenetic location: 7p14.1.
Variant type: single nucleotide variant.
Coding change: c.901C>T on transcript NM_003718.5 (MANE Select); coding-DNA position 901, C replaced by T.
Protein change: p.Arg301Trp; replaces arginine 301 with tryptophan.
Molecular consequence: missense variant.
Genome position (GRCh38, 1-based): chr7:39,951,542, C>T. VCF-style: chr7-39951542-C-T. GRCh37 (hg19) VCF-style: chr7-39991141-C-T.
Other names: c.901C>T, p.Arg301Trp (NM_031267.4); short protein forms R301W.
Identifiers: ClinVar variation 4700635 (VCV004700635.1).
Genomic context (GRCh38, chr7:39,951,542, plus strand): 5'-AGCCGGACTAAGTCGTCCAAGGAGCCGCCTTCGGCCTACAAGGAACCGCCCAAGGCCTAC[C>T]GGGAGGACAAGACCGAGCCTAAGGCCTACAGGCGGCGGCGGTCCCTCAGCCCACTGGGAG-3'
Protein context (NP_003709.3, residues 291-311): SAYKEPPKAY[Arg301Trp]EDKTEPKAYR